The following is an entry in ClinVar:

ClinVar aggregate classification (germline): Conflicting classifications of pathogenicity. Review status: criteria provided, conflicting classifications (1 of 4 stars). 11 submissions from 10 submitters: Uncertain significance (8); Likely benign (1). 2 of the submissions do not count toward it. Last evaluated 2025-11-25.

Conditions:
Hereditary breast ovarian cancer syndrome. Also called: Hereditary breast and ovarian cancer syndrome; Hereditary breast and ovarian cancer; Hereditary breast and ovarian cancer syndrome (HBOC); Breast and ovarian cancer; Hereditary breast and/or ovarian cancer syndrome; BRCA1- and BRCA2-Associated Hereditary Breast and Ovarian Cancer. Identifiers: Orphanet 145, MedGen C0677776, MeSH D061325, MONDO:0003582. Disease mechanism: loss of function.
Familial cancer of breast. Also called: BREAST CANCER, FAMILIAL; Hereditary breast cancer; hereditary breast carcinoma. Identifiers: Orphanet 227535, MedGen C0346153, MONDO:0016419, OMIM 114480. Disease mechanism: loss of function.
BRCA2-related cancer predisposition. Identifiers: MedGen CN377758, MONDO:0700269.
Hereditary cancer-predisposing syndrome. Also called: Neoplastic Syndromes, Hereditary; Tumor predisposition; Hereditary neoplastic syndrome; Hereditary Cancer Syndrome. Identifiers: Orphanet 140162, MedGen C0027672, MeSH D009386, MONDO:0015356.
Fanconi anemia complementation group D1. Also called: BRCA2-Related Fanconi Anemia. Identifiers: Orphanet 319462, MedGen C1838457, MONDO:0011584, OMIM 605724.
Breast-ovarian cancer, familial, susceptibility to, 2 (BROVCA2). Also called: BRCA2 Hereditary Breast and Ovarian Cancer. Identifiers: Orphanet 145, MedGen C2675520, MONDO:0012933, OMIM 612555. Disease mechanism: loss of function.

Allele frequency attached by ClinVar (database versions not stated): gnomAD exomes below 0.00001.
gnomAD v4.1: 1 of 1,614,010 alleles (0.000062%); highest among the groups gnomAD compares: Non-Finnish European, 0.000085%; no homozygotes.

Submissions (11):

Labcorp Genetics (formerly Invitae), Labcorp
Classification: Uncertain significance for Hereditary breast ovarian cancer syndrome. Last evaluated: 2025-11-25. Review status: criteria provided, single submitter. Criteria: Invitae Variant Classification Sherloc (09022015). Collection method: clinical testing. Allele origin: germline.
Comment: This sequence change replaces arginine, which is basic and polar, with serine, which is neutral and polar, at codon 2488 of the BRCA2 protein (p.Arg2488Ser). This variant is present in population databases (rs80358969, gnomAD 0.0009%). This variant has not been reported in the literature in individuals affected with BRCA2-related conditions. ClinVar contains an entry for this variant (Variation ID: 52337). Invitae Evidence Modeling incorporating data from in vitro experimental studies (PMID: 33609447) indicates that this missense variant is not expected to disrupt BRCA2 function with a negative predictive value of 95%. Experimental studies have shown that this missense change does not substantially affect BRCA2 function (PMID: 29394989, 29884841). In summary, the available evidence is currently insufficient to determine the role of this variant in disease. Therefore, it has been classified as a Variant of Uncertain Significance.

All of Us Research Program, National Institutes of Health
Classification: Uncertain significance for BRCA2-related cancer predisposition. Last evaluated: 2024-03-28. Review status: criteria provided, single submitter. Criteria: ACMG Guidelines, 2015. Collection method: clinical testing. Allele origin: germline. Inheritance: Autosomal dominant inheritance. Observed: 2 variant alleles, 2 heterozygotes.
Comment: This study involves interpretation of variants in research participants for the purpose of population health screening. Participant phenotype was not available at the time of variant classification. Additional details can be found in publication PMID: 35346344, PMCID: PMC8962531

Baylor Genetics
Classification: Uncertain significance for Familial cancer of breast. Last evaluated: 2024-02-06. Review status: criteria provided, single submitter. Criteria: ACMG Guidelines, 2015. Collection method: clinical testing. Allele origin: unknown.

Color Diagnostics, LLC DBA Color Health
Classification: Uncertain significance for Hereditary cancer-predisposing syndrome. Last evaluated: 2023-10-31. Review status: criteria provided, single submitter. Criteria: ACMG Guidelines, 2015. Collection method: clinical testing. Allele origin: germline.
Comment: This missense variant replaces arginine with serine at codon 2488 of the BRCA2 protein. Computational prediction is inconclusive regarding the impact of this variant on protein structure and function (internally defined REVEL score threshold 0.5 < inconclusive < 0.7, PMID: 27666373). Functional studies have shown that this variant does not impact homology-directed DNA repair (PMID: 29394989, 35736817) and does not impact cell viability or drug sensitivity in Brca2-deficient mouse embryonic stem cells (PMID: 33293522). To our knowledge, this variant has not been reported in individuals affected with BRCA2-related disorders in the literature. This variant has been identified in 1/251420 chromosomes in the general population by the Genome Aggregation Database (gnomAD). The available evidence is insufficient to determine the role of this variant in disease conclusively. Therefore, this variant is classified as a Variant of Uncertain Significance.

Ambry Genetics
Classification: Likely benign for Hereditary cancer-predisposing syndrome. Last evaluated: 2020-02-25. Review status: criteria provided, single submitter. Criteria: Ambry Variant Classification Scheme 2023. Collection method: clinical testing. Allele origin: germline.

GeneDx
Classification: Uncertain significance. Last evaluated: 2019-10-09. Review status: criteria provided, single submitter. Criteria: GeneDx Variant Classification Process June 2021. Collection method: clinical testing. Allele origin: germline. Affected: yes.
Comment: Published functional studies demonstrate no damaging effect: homology-directed repair activity consistent with neutrality (Guidugli 2018); In silico analysis, which includes protein predictors and evolutionary conservation, supports that this variant does not alter protein structure/function; Not observed at a significant frequency in large population cohorts (Lek 2016); Also known as: BRCA2 7692A>C; This variant is associated with the following publications: (PMID: 29884841, 31422574, 19043619, 29394989)

Quest Diagnostics Nichols Institute San Juan Capistrano
Classification: Uncertain significance. Last evaluated: 2019-02-20. Review status: criteria provided, single submitter. Criteria: Quest Diagnostics criteria. Collection method: clinical testing. Allele origin: germline.

Illumina Laboratory Services, Illumina
Classification: Uncertain significance for Fanconi anemia complementation group D1. Last evaluated: 2017-04-27. Review status: criteria provided, single submitter. Criteria: ICSL Variant Classification Criteria 13 December 2019. Collection method: clinical testing. Allele origin: germline.

Illumina Laboratory Services, Illumina
Classification: Uncertain significance for Breast-ovarian cancer, familial, susceptibility to, 2. Last evaluated: 2017-04-27. Review status: criteria provided, single submitter. Criteria: ICSL Variant Classification Criteria 13 December 2019. Collection method: clinical testing. Allele origin: germline.

Sharing Clinical Reports Project (SCRP)
Classification: Uncertain significance for Breast-ovarian cancer, familial 2. Last evaluated: 2012-09-14. Review status: no assertion criteria provided. Collection method: clinical testing. Allele origin: germline. Not counted in ClinVar's aggregate classification.

Breast Cancer Information Core (BIC) (BRCA2)
Classification: Uncertain significance for Breast-ovarian cancer, familial 2. Last evaluated: 2004-02-20. Review status: no assertion criteria provided. Collection method: clinical testing. Allele origin: germline. Affected: yes. Observed: 1 variant allele. Not counted in ClinVar's aggregate classification.

Literature cited by the submitters: PubMed 33609447 (cited by Labcorp Genetics (formerly Invitae), Labcorp); PubMed 29394989 (cited by 4 submitters); PubMed 29884841 (cited by 3 submitters); PubMed 33293522 (cited by Color Diagnostics, LLC DBA Color Health); PubMed 35736817 (cited by Color Diagnostics, LLC DBA Color Health); PubMed 19043619 (cited by Ambry Genetics and Quest Diagnostics Nichols Institute San Juan Capistrano).

NM_000059.4(BRCA2):c.7464A>C (p.Arg2488Ser)

Gene: BRCA2 (BRCA2 DNA repair associated; plus strand). Cytogenetic location: 13q13.1.
Variant type: single nucleotide variant.
Coding change: c.7464A>C on transcript NM_000059.4 (MANE Select); coding-DNA position 7464, A replaced by C.
Protein change: p.Arg2488Ser; replaces arginine 2488 with serine.
Molecular consequence: missense variant.
Genome position (GRCh38, 1-based): chr13:32,356,456, A>C. VCF-style: chr13-32356456-A-C. GRCh37 (hg19) VCF-style: chr13-32930593-A-C.
Other names: 7692A>C; short protein forms R2488S.
Identifiers: ClinVar variation 52337 (VCV000052337.28), dbSNP rs80358969, ClinGen allele CA025098.
Genomic context (GRCh38, chr13:32,356,456, plus strand): 5'-TTTATTTTTGCTAAGTATTTATTCTTTGATAGATTTAATTACAAGTCTTCAGAATGCCAG[A>C]GATATACAGGATATGCGAATTAAGAAGAAACAAAGGCAACGCGTCTTTCCACAGCCAGGC-3'
Protein context (NP_000050.3, residues 2478-2498): LDLITSLQNA[Arg2488Ser]DIQDMRIKKK